The following is an entry in ClinVar:

NM_033380.3(COL4A5):c.1780-2A>G

Gene: COL4A5 (collagen type IV alpha 5 chain; plus strand). Cytogenetic location: Xq22.3.
Variant type: single nucleotide variant.
Coding change: c.1780-2A>G on transcript NM_033380.3 (MANE Select); the canonical splice acceptor site of the intron before coding-DNA position 1780, A replaced by G.
Molecular consequence: splice acceptor variant.
Genome position (GRCh38, 1-based): chrX:108,598,700, A>G. VCF-style: chrX-108598700-A-G. GRCh37 (hg19) VCF-style: chrX-107841930-A-G.
Other names: c.1780-2A>G (NM_000495.5).
Identifiers: ClinVar variation 2053049 (VCV002053049.5), dbSNP rs2524313782, ClinGen allele CA413845595.

ClinVar aggregate classification (germline): Pathogenic. Review status: criteria provided, multiple submitters, no conflicts (2 of 4 stars). 2 submissions from 2 submitters: Pathogenic (2). Last evaluated 2023-09-29.

Submissions (2):

GeneDx
Classification: Pathogenic. Last evaluated: 2023-09-29. Review status: criteria provided, single submitter. Criteria: GeneDx Variant Classification Process June 2021. Collection method: clinical testing. Allele origin: germline. Affected: yes.
Comment: Canonical splice site variant predicted to result in a null allele in a gene for which loss-of-function is a known mechanism of disease; Not observed at significant frequency in large population cohorts (gnomAD); Has not been previously published as pathogenic or benign to our knowledge

Labcorp Genetics (formerly Invitae), Labcorp
Classification: Pathogenic. Last evaluated: 2021-12-22. Review status: criteria provided, single submitter. Criteria: Invitae Variant Classification Sherloc (09022015). Collection method: clinical testing. Allele origin: germline.
Comment: This sequence change affects an acceptor splice site in intron 24 of the COL4A5 gene. It is expected to disrupt RNA splicing. Variants that disrupt the donor or acceptor splice site typically lead to a loss of protein function (PMID: 16199547), and loss-of-function variants in COL4A5 are known to be pathogenic (PMID: 9195222, 10752524, 14514738, 24854265, 26809805). This variant is not present in population databases (gnomAD no frequency). Disruption of this splice site has been observed in individuals with Alport syndrome (PMID: 16941480, 26934356). It has also been observed to segregate with disease in related individuals. Algorithms developed to predict the effect of sequence changes on RNA splicing suggest that this variant may disrupt the consensus splice site. For these reasons, this variant has been classified as Pathogenic.

Literature cited by the submitters: PubMed 16199547 (cited by Labcorp Genetics (formerly Invitae), Labcorp); PubMed 9195222 (cited by Labcorp Genetics (formerly Invitae), Labcorp); PubMed 10752524 (cited by Labcorp Genetics (formerly Invitae), Labcorp); PubMed 14514738 (cited by Labcorp Genetics (formerly Invitae), Labcorp); PubMed 24854265 (cited by Labcorp Genetics (formerly Invitae), Labcorp); PubMed 26809805 (cited by Labcorp Genetics (formerly Invitae), Labcorp); PubMed 16941480 (cited by Labcorp Genetics (formerly Invitae), Labcorp); PubMed 26934356 (cited by Labcorp Genetics (formerly Invitae), Labcorp).